The following is an entry in ClinVar:

NM_001958.5(EEF1A2):c.621+1G>A

Gene: EEF1A2 (eukaryotic translation elongation factor 1 alpha 2; minus strand). Cytogenetic location: 20q13.33.
Variant type: single nucleotide variant.
Coding change: c.621+1G>A on transcript NM_001958.5 (MANE Select); the canonical splice donor site of the intron after coding-DNA position 621, G replaced by A.
Molecular consequence: splice donor variant.
Genome position (GRCh38, 1-based): chr20:63,494,804, C>T on the plus strand (G>A on the coding strand, the complement: EEF1A2 is on the minus strand). VCF-style: chr20-63494804-C-T. GRCh37 (hg19) VCF-style: chr20-62126157-C-T.
Identifiers: ClinVar variation 1675867 (VCV001675867.33), dbSNP rs2145944692, ClinGen allele CA409649248.
Genomic context (GRCh38, chr20:63,494,804, plus strand): 5'-CGCTCTGGGCCAGGGGGTCCAGCCAGCTCCCGTGGCCCGCCCCGCCCTAGCCGCCACTCA[C>T]GTTGGGGGAGGGCTCCAGCATGTTGTCACCGTGCCAGCCGGAGATGGGCACAAAGGGCAC-3'

ClinVar aggregate classification (germline): Uncertain significance (1 of 4 stars; one submission).

Allele frequency attached by ClinVar (database versions not stated): gnomAD exomes below 0.00001.
gnomAD v4.1: 1 of 1,608,444 alleles (0.000062%); highest among the groups gnomAD compares: Non-Finnish European, 0.000085%; no homozygotes.

Submission:

CeGaT Center for Human Genetics Tuebingen
Classification: Uncertain significance. Last evaluated: 2022-03-01. Review status: criteria provided, single submitter. Criteria: CeGaT Center For Human Genetics Tuebingen Variant Classification Criteria Version 2. Collection method: clinical testing. Allele origin: germline. Affected: yes. Observed: 1 variant allele.
Comment: EEF1A2: PM2